The following is an entry in ClinVar:

NM_001267550.2(TTN):c.71644C>G (p.Pro23882Ala)

Genes: TTN (titin; minus strand), TTN-AS1 (TTN antisense RNA 1; plus strand). Cytogenetic location: 2q31.2.
Variant type: single nucleotide variant.
Coding change: c.71644C>G on transcript NM_001267550.2 (MANE Select); coding-DNA position 71644, C replaced by G.
Protein change: p.Pro23882Ala; replaces proline 23882 with alanine.
Molecular consequence: missense variant.
Genome position (GRCh38, 1-based): chr2:178,574,488, G>C on the plus strand (C>G on the coding strand, the complement: TTN is on the minus strand). VCF-style: chr2-178574488-G-C. GRCh37 (hg19) VCF-style: chr2-179439215-G-C.
Other names: c.66721C>G, p.Pro22241Ala (NM_001256850.1); c.44449C>G, p.Pro14817Ala (NM_003319.4); c.63940C>G, p.Pro21314Ala (NM_133378.4); c.44824C>G, p.Pro14942Ala (NM_133432.3); c.45025C>G, p.Pro15009Ala (NM_133437.4); short protein forms P15009A, P23882A, P14817A, P14942A, P21314A, P22241A.
Identifiers: ClinVar variation 1740642 (VCV001740642.2), dbSNP rs2468632223, ClinGen allele CA349651971.

ClinVar aggregate classification (germline): Uncertain significance (1 of 4 stars; one submission).

Conditions:
Cardiovascular phenotype. Identifiers: MedGen CN230736.

gnomAD v4.1: 2 of 1,613,578 alleles (0.00012%); highest among the groups gnomAD compares: Non-Finnish European, 0.00017%; no homozygotes.

Submission:

Ambry Genetics
Classification: Uncertain significance for Cardiovascular phenotype. Last evaluated: 2020-01-21. Review status: criteria provided, single submitter. Criteria: Ambry Variant Classification Scheme 2023. Collection method: clinical testing. Allele origin: germline.
Comment: The p.P14817A variant (also known as c.44449C>G), located in coding exon 153 of the TTN gene, results from a C to G substitution at nucleotide position 44449. The proline at codon 14817 is replaced by alanine, an amino acid with highly similar properties. This amino acid position is not well conserved in available vertebrate species. In addition, this alteration is predicted to be tolerated by in silico analysis. Since supporting evidence is limited at this time, the clinical significance of this alteration remains unclear.